The following is an entry in ClinVar:

NM_000041.4(APOE):c.932C>T (p.Pro311Leu)

Gene: APOE (apolipoprotein E; plus strand). Cytogenetic location: 19q13.32.
Variant type: single nucleotide variant.
Coding change: c.932C>T on transcript NM_000041.4 (MANE Select); coding-DNA position 932, C replaced by T.
Protein change: p.Pro311Leu; replaces proline 311 with leucine.
Molecular consequence: missense variant.
Genome position (GRCh38, 1-based): chr19:44,909,228, C>T. VCF-style: chr19-44909228-C-T. GRCh37 (hg19) VCF-style: chr19-45412485-C-T.
Other names: c.1010C>T, p.Pro337Leu (NM_001302688.2); c.932C>T, p.Pro311Leu (NM_001302689.2, NM_001302690.2, NM_001302691.2); short protein forms P337L, P311L.
Identifiers: ClinVar variation 3308501 (VCV003308501.1).

ClinVar aggregate classification (germline): Uncertain significance (1 of 4 stars; one submission).

Conditions:
Cardiovascular phenotype. Identifiers: MedGen CN230736.

Submission:

Ambry Genetics
Classification: Uncertain significance for Cardiovascular phenotype. Last evaluated: 2024-05-19. Review status: criteria provided, single submitter. Criteria: Ambry Variant Classification Scheme 2023. Collection method: clinical testing. Allele origin: germline.
Comment: The p.P311L variant (also known as c.932C>T), located in coding exon 3 of the APOE gene, results from a C to T substitution at nucleotide position 932. The proline at codon 311 is replaced by leucine, an amino acid with similar properties. This amino acid position is conserved. In addition, this alteration is predicted to be tolerated by in silico analysis. Based on the available evidence, the clinical significance of this variant remains unclear.